The following is an entry in ClinVar:

NM_018109.4(MTPAP):c.345C>T (p.Val115=)

Gene: MTPAP (mitochondrial poly(A) polymerase; minus strand). Cytogenetic location: 10p11.23.
Variant type: single nucleotide variant.
Coding change: c.345C>T on transcript NM_018109.4 (MANE Select); coding-DNA position 345, C replaced by T.
Protein change: p.Val115=; no amino-acid change (valine 115 retained).
Molecular consequence: synonymous variant.
Genome position (GRCh38, 1-based): chr10:30,340,436, G>A on the plus strand (C>T on the coding strand, the complement: MTPAP is on the minus strand). VCF-style: chr10-30340436-G-A. GRCh37 (hg19) VCF-style: chr10-30629365-G-A.
Identifiers: ClinVar variation 1256275 (VCV001256275.8), dbSNP rs548128535, ClinGen allele CA5459211.

ClinVar aggregate classification (germline): Benign. Review status: criteria provided, multiple submitters, no conflicts (2 of 4 stars). 3 submissions from 3 submitters: Benign (2). 1 of the submissions does not count toward it. Last evaluated 2026-01-06.

Conditions:
MTPAP-related disorder. Also called: MTPAP-related condition.

Allele frequency attached by ClinVar (database versions not stated): gnomAD 0.00006 and 0.00010; TOPMed 0.00007; gnomAD exomes 0.00019 and 0.00041; 1000 Genomes Project 30x 0.00031; 1000 Genomes Project 0.00040; ExAC 0.00040.
gnomAD v4.1: 294 of 1,613,636 alleles (0.018%); highest among the groups gnomAD compares: South Asian, 0.25%; 5 homozygotes.

Submissions (3):

Labcorp Genetics (formerly Invitae), Labcorp
Classification: Benign. Last evaluated: 2026-01-06. Review status: criteria provided, single submitter. Criteria: Invitae Variant Classification Sherloc (09022015). Collection method: clinical testing. Allele origin: germline.

Athena Diagnostics
Classification: Benign. Last evaluated: 2021-02-03. Review status: criteria provided, single submitter. Criteria: Athena Diagnostics criteria. Collection method: clinical testing. Allele origin: unknown.

PreventionGenetics, part of Exact Sciences
Classification: Likely benign for MTPAP-related condition. Last evaluated: 2019-05-08. Review status: no assertion criteria provided. Collection method: clinical testing. Allele origin: germline. Not counted in ClinVar's aggregate classification.
Comment: This variant is classified as likely benign based on ACMG/AMP sequence variant interpretation guidelines (Richards et al. 2015 PMID: 25741868, with internal and published modifications).